The following is an entry in ClinVar:

NM_016156.6(MTMR2):c.655-285dup

Gene: MTMR2 (myotubularin related protein 2; minus strand). Cytogenetic location: 11q21.
Variant type: Duplication.
Coding change: c.655-285dup on transcript NM_016156.6 (MANE Select); 285 bases into the intron before coding-DNA position 655, one base duplicated (T; older notation c.655-285dupT).
Molecular consequence: intron variant.
Genome position (GRCh38, 1-based): chr11:95,851,032, A duplicated on the plus strand (T on the coding strand, the reverse complement: MTMR2 is on the minus strand); the first of 3 consecutive A bases (chr11:95,851,032-95,851,034); duplicating any one gives the same sequence. VCF-style (leftmost placement, unchanged base first): chr11-95851031-G-GA. GRCh37 (hg19) VCF-style: chr11-95584195-G-GA.
Other names: c.439-285dup (NM_201281.3, NM_201278.3, NM_001243571.2).
Identifiers: ClinVar variation 668750 (VCV000668750.1), dbSNP rs36142511, ClinGen allele CA226603166.

ClinVar aggregate classification (germline): Benign (1 of 4 stars; one submission).

Submission:

GeneDx
Classification: Benign. Last evaluated: 2018-06-20. Review status: criteria provided, single submitter. Criteria: GeneDx Variant Classification (06012015). Collection method: clinical testing. Allele origin: germline. Affected: yes.
Comment: This variant is considered likely benign or benign based on one or more of the following criteria: it is a conservative change, it occurs at a poorly conserved position in the protein, it is predicted to be benign by multiple in silico algorithms, and/or has population frequency not consistent with disease.